The following is an entry in ClinVar:

NM_032638.5(GATA2):c.1045T>C (p.Cys349Arg)

Gene: GATA2 (GATA binding protein 2; minus strand). Cytogenetic location: 3q21.3.
Variant type: single nucleotide variant.
Coding change: c.1045T>C on transcript NM_032638.5 (MANE Select); coding-DNA position 1045, T replaced by C.
Protein change: p.Cys349Arg; replaces cysteine 349 with arginine.
Molecular consequence: missense variant. On other transcripts: intron variant (1).
Genome position (GRCh38, 1-based): chr3:128,481,917, A>G on the plus strand (T>C on the coding strand, the complement: GATA2 is on the minus strand). VCF-style: chr3-128481917-A-G. GRCh37 (hg19) VCF-style: chr3-128200760-A-G.
Other names: c.1045T>C, p.Cys349Arg (NM_001145661.2); c.1018-15T>C (NM_001145662.1); short protein forms C349R.
Identifiers: ClinVar variation 802001 (VCV000802001.2), dbSNP rs1576745260, ClinGen allele CA354413659.

ClinVar aggregate classification (germline): Pathogenic/Likely pathogenic. Review status: criteria provided, multiple submitters, no conflicts (2 of 4 stars). 2 submissions from 2 submitters: Pathogenic (1); Likely pathogenic (1). Last evaluated 2021-07-06.

Conditions:
Deafness-lymphedema-leukemia syndrome. Also called: Lymphedema, primary, with myelodysplasia; Emberger syndrome. Identifiers: Orphanet 3226, MedGen C3279664, MONDO:0013540, OMIM 614038.
GATA2 deficiency with susceptibility to MDS/AML. Identifiers: MedGen CN300066, MONDO:0042982.

Submissions (2):

Molecular Pathology Research Laboratory, SA Pathology
Classification: Pathogenic for GATA2 deficiency with susceptibility to MDS/AML; Deafness-lymphedema-leukemia syndrome. Last evaluated: 2021-07-06. Review status: criteria provided, single submitter. Criteria: ACMG Guidelines, 2015. Collection method: curation. Allele origin: de novo. Inheritance: Autosomal dominant inheritance. Affected: yes. Observed: 1 variant allele.
Comment: PS2, PS4_Supporting, PM1, PM2, PM5, PP3

Mendelics
Classification: Likely pathogenic for Deafness-lymphedema-leukemia syndrome. Last evaluated: 2019-05-28. Review status: criteria provided, single submitter. Criteria: Mendelics Assertion Criteria 2017. Collection method: clinical testing. Allele origin: unknown.

Literature cited by the submitters: PubMed 29724903 (cited by Molecular Pathology Research Laboratory, SA Pathology); PubMed 30280306 (cited by Molecular Pathology Research Laboratory, SA Pathology).